The following is an entry in ClinVar:

ClinVar aggregate classification (germline): Uncertain significance. Review status: criteria provided, multiple submitters, no conflicts (2 of 4 stars). 2 submissions from 2 submitters: Uncertain significance (2). Last evaluated 2025-06-23.

Submissions (2):

Labcorp Genetics (formerly Invitae), Labcorp
Classification: Uncertain significance. Last evaluated: 2025-06-23. Review status: criteria provided, single submitter. Criteria: Invitae Variant Classification Sherloc (09022015). Collection method: clinical testing. Allele origin: germline.
Comment: This sequence change replaces glycine, which is neutral and non-polar, with alanine, which is neutral and non-polar, at codon 1136 of the SRCAP protein (p.Gly1136Ala). This variant is not present in population databases (gnomAD no frequency). This variant has not been reported in the literature in individuals affected with SRCAP-related conditions. Invitae Evidence Modeling of protein sequence and biophysical properties (such as structural, functional, and spatial information, amino acid conservation, physicochemical variation, residue mobility, and thermodynamic stability) indicates that this missense variant is not expected to disrupt SRCAP protein function with a negative predictive value of 80%. In summary, the available evidence is currently insufficient to determine the role of this variant in disease. Therefore, it has been classified as a Variant of Uncertain Significance.

Revvity Omics, Revvity
Classification: Uncertain significance. Last evaluated: 2025-03-03. Review status: criteria provided, single submitter. Criteria: ACMG Guidelines, 2015. Collection method: clinical testing. Allele origin: germline.

NM_006662.3(SRCAP):c.3407G>C (p.Gly1136Ala)

Gene: SRCAP (Snf2 related CREBBP activator protein; plus strand). Cytogenetic location: 16p11.2.
Variant type: single nucleotide variant.
Coding change: c.3407G>C on transcript NM_006662.3 (MANE Select); coding-DNA position 3407, G replaced by C.
Protein change: p.Gly1136Ala; replaces glycine 1136 with alanine.
Molecular consequence: missense variant.
Genome position (GRCh38, 1-based): chr16:30,721,342, G>C. VCF-style: chr16-30721342-G-C. GRCh37 (hg19) VCF-style: chr16-30732663-G-C.
Other names: short protein forms G1136A.
Identifiers: ClinVar variation 4080378 (VCV004080378.2).